The following is an entry in ClinVar:

NM_018972.4(GDAP1):c.811G>A (p.Gly271Arg)

Gene: GDAP1 (ganglioside induced differentiation associated protein 1; plus strand). Cytogenetic location: 8q21.11.
Variant type: single nucleotide variant.
Coding change: c.811G>A on transcript NM_018972.4 (MANE Select); coding-DNA position 811, G replaced by A.
Protein change: p.Gly271Arg; replaces glycine 271 with arginine.
Molecular consequence: missense variant. On other transcripts: intron variant (1).
Genome position (GRCh38, 1-based): chr8:74,364,101, G>A. VCF-style: chr8-74364101-G-A. GRCh37 (hg19) VCF-style: chr8-75276336-G-A.
Other names: c.607G>A, p.Gly203Arg (NM_001040875.4); c.484G>A, p.Gly162Arg (NM_001362929.2, NM_001362932.2); c.637G>A, p.Gly213Arg (NM_001362930.2); c.694+1048G>A (NM_001362931.2); short protein forms G271R, G203R, G213R, G162R.
Identifiers: ClinVar variation 467773 (VCV000467773.19), dbSNP rs775622226, ClinGen allele CA4785202.

ClinVar aggregate classification (germline): Conflicting classifications of pathogenicity. Review status: criteria provided, conflicting classifications (1 of 4 stars). 7 submissions from 7 submitters: Pathogenic (1); Likely pathogenic (3); Uncertain significance (1). 2 of the submissions do not count toward it. Last evaluated 2026-02-03.

Conditions:
Charcot-Marie-Tooth disease. Also called: Charcot-Marie-Tooth Hereditary Neuropathy; Charcot-Marie-Tooth Neuropathy. Identifiers: Orphanet 166, MedGen C0007959, MONDO:0015626.
Charcot-Marie-Tooth disease axonal type 2K (CMT2K). Also called: CHARCOT-MARIE-TOOTH DISEASE, AXONAL, AUTOSOMAL RECESSIVE, TYPE 2K; CHARCOT-MARIE-TOOTH NEUROPATHY, AXONAL, TYPE 2K; Charcot-Marie-Tooth disease type 2K. Identifiers: Orphanet 101097, Orphanet 99944, MedGen C1842983, MONDO:0011916, OMIM 607831.
Charcot-Marie-Tooth disease type 4A. Also called: Charcot-Marie-Tooth disease, demyelinating, autosomal recessive, type 4a. Identifiers: Orphanet 99948, MedGen C1859198, MONDO:0008961, OMIM 214400.
Charcot-Marie-Tooth disease recessive intermediate A (CMTRIA). Also called: CHARCOT-MARIE-TOOTH NEUROPATHY, RECESSIVE INTERMEDIATE A. Identifiers: Orphanet 217055, MedGen C1842197, MONDO:0012014, OMIM 608340.
Charcot-Marie-Tooth disease, axonal, with vocal cord paresis, autosomal recessive. Also called: CHARCOT-MARIE-TOOTH DISEASE, TYPE 4A, AXONAL FORM; CHARCOT-MARIE-TOOTH NEUROPATHY, AXONAL, WITH VOCAL CORD PARESIS, AUTOSOMAL RECESSIVE; CMT2 WITH VOCAL CORD PARESIS, AUTOSOMAL RECESSIVE. Identifiers: Orphanet 101097, MedGen C1843183, MONDO:0011898, OMIM 607706.

Allele frequency attached by ClinVar (database versions not stated): TOPMed 0.00002; gnomAD 0.00003 and 0.00004; gnomAD exomes 0.00003 and 0.00004; ExAC 0.00004.
gnomAD v4.1: 53 of 1,614,038 alleles (0.0033%); highest among the groups gnomAD compares: South Asian, 0.031%; 2 homozygotes.

Submissions (7):

Labcorp Genetics (formerly Invitae), Labcorp
Classification: Pathogenic for Charcot-Marie-Tooth disease type 4A. Last evaluated: 2026-02-03. Review status: criteria provided, single submitter. Criteria: Invitae Variant Classification Sherloc (09022015). Collection method: clinical testing. Allele origin: germline.
Comment: This sequence change replaces glycine, which is neutral and non-polar, with arginine, which is basic and polar, at codon 271 of the GDAP1 protein (p.Gly271Arg). This variant is present in population databases (rs775622226, gnomAD 0.03%). This missense change has been observed in individual(s) with clinical features of autosomal recessive Charcot-Marie-Tooth disease (PMID: 14561495; internal data). In at least one individual the data is consistent with being in trans (on the opposite chromosome) from a pathogenic variant. ClinVar contains an entry for this variant (Variation ID: 467773). Invitae Evidence Modeling of protein sequence and biophysical properties (such as structural, functional, and spatial information, amino acid conservation, physicochemical variation, residue mobility, and thermodynamic stability) indicates that this missense variant is not expected to disrupt GDAP1 protein function with a negative predictive value of 80%. Experimental studies have shown that this missense change affects GDAP1 function (PMID: 23628762). For these reasons, this variant has been classified as Pathogenic.

ARUP Laboratories, Molecular Genetics and Genomics, ARUP Laboratories
Classification: Likely pathogenic. Last evaluated: 2024-08-30. Review status: criteria provided, single submitter. Criteria: ARUP Molecular Germline Variant Investigation Process 2024. Collection method: clinical testing. Allele origin: germline.
Comment: The GDAP1 c.811G>A, p.Gly271Arg variant (rs775622226, ClinVar Variation ID: 467773) is reported in the literature in an individual affected with CMT who also carried a second pathogenic variant (Ammar 2003). In addition, this variant was found heterozygous in a mother and daughter with a diagnosis of CMT type 2k (Jerath 2022). This variant is found in the general population with an overall allele frequency of 0.005% (15/282,872 alleles) in the Genome Aggregation Database (v2.1.1). Functional analyses of the variant protein show defects in mitochondrial fission (Huber 2013). Computational analyses predict that this variant is deleterious (REVEL: 0.915). Based on available information, this variant is considered to be likely pathogenic. References: Ammar N et al. Identification of novel GDAP1 mutations causing autosomal recessive Charcot-Marie-Tooth disease. Neuromuscul Disord. 2003 Nov;13(9):720-8. PMID: 14561495. Huber N et al. Charcot-Marie-Tooth disease-associated mutants of GDAP1 dissociate its roles in peroxisomal and mitochondrial fission. EMBO Rep. 2013 Jun;14(6):545-52. PMID: 23628762. Jerath NU. Mild Late-Onset Sensory Neuropathy Associated with Heterozygous Missense GDAP1 Variants. Case Rep Med. 2022 May 24;2022:7492077. PMID: 35656516.

GeneDx
Classification: Likely pathogenic. Last evaluated: 2023-12-02. Review status: criteria provided, single submitter. Criteria: GeneDx Variant Classification Process June 2021. Collection method: clinical testing. Allele origin: germline.
Comment: Identified in a patient with CMT who also had a second variant in GDAP1; however the phase of the variants was not reported (PMID: 14561495); Reported not to induce mitochondrial fission when overexpressed in vitro; however, data was not shown (PMID: 23628762); In silico analysis supports that this missense variant has a deleterious effect on protein structure/function; This variant is associated with the following publications: (PMID: 18021315, 25337607, 17001820, 14561495, 23628762, 35656516, 20685671, 20849849)

Juno Genomics, Hangzhou Juno Genomics, Inc
Classification: Likely pathogenic for Charcot-Marie-Tooth disease axonal type 2K; Charcot-Marie-Tooth disease, axonal, with vocal cord paresis, autosomal recessive; Charcot-Marie-Tooth disease recessive intermediate A; Charcot-Marie-Tooth disease type 4A. Review status: criteria provided, single submitter. Criteria: ACMG Guidelines, 2015. Collection method: clinical testing. Allele origin: germline.
Comment: Absent from controls (or at extremely low frequency if recessive) in Genome Aggregation Database.;Multiple lines of computational evidence support a deleterious effect on the gene or gene product.;For recessive disorders, detected in trans with a pathogenic variant.;Patient's phenotype or family history is highly specific for a disease with a single genetic etiology.;The prevalence of the variant in affected individuals is significantly increased compared to the prevalence in controls.

Molecular Genetics Laboratory, London Health Sciences Centre
Classification: Uncertain significance for Charcot-Marie-Tooth disease. Review status: criteria provided, single submitter. Criteria: ACMG Guidelines, 2015. Collection method: clinical testing. Allele origin: germline. Affected: yes.

Inherited Neuropathy Consortium Ii, University Of Miami
Classification: Uncertain significance for Charcot-Marie-Tooth disease axonal type 2K. Last evaluated: 2016-01-06. Review status: no assertion criteria provided. Collection method: literature only. Allele origin: germline. Affected: yes. Not counted in ClinVar's aggregate classification.

Inherited Neuropathy Consortium
Classification: Uncertain significance for Charcot-Marie-Tooth disease. Review status: no assertion criteria provided. Collection method: literature only. Allele origin: germline. Affected: yes. Not counted in ClinVar's aggregate classification.

Literature cited by the submitters: PubMed 14561495 (cited by 3 submitters); PubMed 23628762 (cited by Labcorp Genetics (formerly Invitae), Labcorp).